The following is an entry in ClinVar:

NM_000368.5(TSC1):c.960A>G (p.Leu320=)

Gene: TSC1 (TSC complex subunit 1; minus strand). Cytogenetic location: 9q34.13.
Variant type: single nucleotide variant.
Coding change: c.960A>G on transcript NM_000368.5 (MANE Select); coding-DNA position 960, A replaced by G.
Protein change: p.Leu320=; no amino-acid change (leucine 320 retained).
Molecular consequence: synonymous variant.
Genome position (GRCh38, 1-based): chr9:132,911,522, T>C on the plus strand (A>G on the coding strand, the complement: TSC1 is on the minus strand). VCF-style: chr9-132911522-T-C. GRCh37 (hg19) VCF-style: chr9-135786909-T-C.
Other names: c.960A>G, p.Leu320= (NM_001162426.2); c.807A>G, p.Leu269= (NM_001162427.2); c.597A>G, p.Leu199= (NM_001362177.2).
Identifiers: ClinVar variation 466164 (VCV000466164.16), dbSNP rs770183315, ClinGen allele CA5301771.
Genomic context (GRCh38, chr9:132,911,522, plus strand): 5'-TTCAGTTATCAGCCGTGTCGATGGGGAACTCAGAGTCTGAGGTAGCTGCCCTGGCATATT[T>C]AACAACATCAGCCGAGACGTGGAGTAAGGGGTAGAAGTAGCACACCCTAAAATGGAAGAG-3'
Protein context (NP_000359.1, residues 310-330): TPYSTSRLML[Leu320=]NMPGQLPQTL

ClinVar aggregate classification (germline): Benign/Likely benign. Review status: criteria provided, multiple submitters, no conflicts (2 of 4 stars). 5 submissions from 5 submitters: Benign (1); Likely benign (4). Last evaluated 2025-12-10.

Conditions:
Hereditary cancer-predisposing syndrome. Also called: Hereditary neoplastic syndrome; Neoplastic Syndromes, Hereditary; Hereditary Cancer Syndrome; Tumor predisposition. Identifiers: Orphanet 140162, MedGen C0027672, MeSH D009386, MONDO:0015356.
Tuberous sclerosis syndrome (TSC). Also called: Tuberous Sclerosis Complex; Tuberous sclerosis. Identifiers: Orphanet 805, MedGen C0041341, MONDO:0001734.
Tuberous sclerosis 1 (TSC1). Identifiers: Orphanet 805, MedGen C1854465, MONDO:0008612, OMIM 191100.

Allele frequency attached by ClinVar (database versions not stated): gnomAD exomes below 0.00001 and 0.00001; ExAC 0.00001; gnomAD 0.00001; TOPMed 0.00001.
gnomAD v4.1: 6 of 1,611,690 alleles (0.00037%); highest among the groups gnomAD compares: Non-Finnish European, 0.00042%; no homozygotes.

Submissions (5):

Labcorp Genetics (formerly Invitae), Labcorp
Classification: Likely benign for Tuberous sclerosis 1. Last evaluated: 2025-12-10. Review status: criteria provided, single submitter. Criteria: Invitae Variant Classification Sherloc (09022015). Collection method: clinical testing. Allele origin: germline.

Myriad Genetics, Inc.
Classification: Benign for Tuberous sclerosis 1. Last evaluated: 2025-04-09. Review status: criteria provided, single submitter. Criteria: Myriad Autosomal Dominant, Autosomal Recessive and X-Linked Classification Criteria (2023). Collection method: clinical testing. Allele origin: unknown.
Comment: This variant is considered benign. This variant is a silent/synonymous amino acid change and it is not expected to impact splicing.

All of Us Research Program, National Institutes of Health
Classification: Likely benign for Tuberous sclerosis syndrome. Last evaluated: 2024-04-25. Review status: criteria provided, single submitter. Criteria: ACMG Guidelines, 2015. Collection method: clinical testing. Allele origin: germline. Inheritance: Autosomal dominant inheritance. Observed: 1 variant allele, 1 heterozygote.
Comment: This study involves interpretation of variants in research participants for the purpose of population health screening. Participant phenotype was not available at the time of variant classification. Additional details can be found in publication PMID: 35346344, PMCID: PMC8962531

Blueprint Genetics
Classification: Likely benign. Last evaluated: 2022-09-14. Review status: criteria provided, single submitter. Criteria: ACMG Guidelines, 2015. Collection method: clinical testing. Allele origin: germline.

Ambry Genetics
Classification: Likely benign for Hereditary cancer-predisposing syndrome. Last evaluated: 2020-11-30. Review status: criteria provided, single submitter. Criteria: Ambry Variant Classification Scheme 2023. Collection method: clinical testing. Allele origin: germline.